The following is an entry in ClinVar:

NM_015046.7(SETX):c.2139G>T (p.Lys713Asn)

Gene: SETX (senataxin; minus strand). Cytogenetic location: 9q34.13.
Variant type: single nucleotide variant.
Coding change: c.2139G>T on transcript NM_015046.7 (MANE Select); coding-DNA position 2139, G replaced by T.
Protein change: p.Lys713Asn; replaces lysine 713 with asparagine.
Molecular consequence: missense variant.
Genome position (GRCh38, 1-based): chr9:132,329,459, C>A on the plus strand (G>T on the coding strand, the complement: SETX is on the minus strand). VCF-style: chr9-132329459-C-A. GRCh37 (hg19) VCF-style: chr9-135204846-C-A.
Other names: c.2139G>T, p.Lys713Asn (NM_001351527.2, NM_001351528.2); short protein forms K713N.
Identifiers: ClinVar variation 2630041 (VCV002630041.2), dbSNP rs547010567, ClinGen allele CA200813183.

ClinVar aggregate classification (germline): Uncertain significance. Review status: criteria provided, multiple submitters, no conflicts (2 of 4 stars). 2 submissions from 2 submitters: Uncertain significance (2). Last evaluated 2023-01-03.

Conditions:
SETX-related disorder. Also called: SETX-related condition; SETX-related disorders. Identifiers: MedGen CN239403.

Submissions (2):

PreventionGenetics, part of Exact Sciences
Classification: Uncertain significance for SETX-related condition. Last evaluated: 2023-01-03. Review status: criteria provided, single submitter. Criteria: ACMG Guidelines, 2015. Collection method: clinical testing. Allele origin: germline.
Comment: The SETX c.2139G>T variant is predicted to result in the amino acid substitution p.Lys713Asn. To our knowledge, this variant has not been reported in the literature or in a large population database, indicating this variant is rare. At this time, the clinical significance of this variant is uncertain due to the absence of conclusive functional and genetic evidence.

Blueprint Genetics
Classification: Uncertain significance. Last evaluated: 2020-06-11. Review status: criteria provided, single submitter. Criteria: ACMG Guidelines, 2015. Collection method: clinical testing. Allele origin: germline.